The following is an entry in ClinVar:

NM_000169.3(GLA):c.426dup (p.Ala143fs)

Genes: GLA (galactosidase alpha; minus strand), RPL36A-HNRNPH2 (RPL36A-HNRNPH2 readthrough; plus strand). Cytogenetic location: Xq22.1.
Variant type: Duplication.
Coding change: c.426dup on transcript NM_000169.3 (MANE Select); coding-DNA position 426, one base duplicated (C; older notation c.426dupC).
Protein change: p.Ala143fs; shifts the reading frame from alanine 143.
Molecular consequence: frameshift variant. On other transcripts: non-coding transcript variant (3), intron variant (2).
Genome position (GRCh38, 1-based): chrX:101,401,753, G duplicated on the plus strand (C on the coding strand, the reverse complement: GLA is on the minus strand). VCF-style (leftmost placement, unchanged base first): chrX-101401752-C-CG. GRCh37 (hg19) VCF-style: chrX-100656740-C-CG.
Other names: c.549dup, p.Ala184fs (NM_001406747.1, NM_001406749.1); c.426dup, p.Ala143fs (NM_001406748.1); c.300+6296dup (NM_001199973.2); c.177+9931dup (NM_001199974.2); short protein forms A143fs, A184fs.
Identifiers: ClinVar variation 4086958 (VCV004086958.2).

ClinVar aggregate classification (germline): Pathogenic (1 of 4 stars; one submission).

Conditions:
Fabry disease. Also called: ALPHA-GALACTOSIDASE A DEFICIENCY; ANDERSON-FABRY DISEASE; CERAMIDE TRIHEXOSIDASE DEFICIENCY; GLA DEFICIENCY; HEREDITARY DYSTOPIC LIPIDOSIS; Angiokeratoma corporis diffusum. Identifiers: Orphanet 324, MedGen C0002986, MONDO:0010526, OMIM 301500, HP:0001071. Disease mechanism: Fabry disease is due to inactivating mutations in the X-linked GLA gene resulting in deficiency of the enzyme Alpha Galactosidase-A., loss of function.

Submission:

Genomenon, Inc
Classification: Pathogenic for Fabry disease. Last evaluated: 2026-09-08. Review status: criteria provided, single submitter. Criteria: Genomenon Sequence Variant Interpretation Standards - Updated. Collection method: curation. Allele origin: germline. Affected: yes.
Comment: GLA p.Ala143ArgfsTer13 (c.426dup) is a frameshift variant that is predicted to introduce a premature termination codon and result in a truncated or absent protein product. This variant has been observed in at least one proband with clinical features consistent with Fabry disease (PMID:12175777). It is absent or not present at a significant frequency in gnomAD. In conclusion, we classify GLA p.Ala143ArgfsTer13 (c.426dup) as a pathogenic variant.

Literature cited by the submitters: PubMed 12175777.